The following is an entry in ClinVar:

ClinVar aggregate classification (germline): Uncertain significance (1 of 4 stars; one submission).

Conditions:
Cardiovascular phenotype. Identifiers: MedGen CN230736.

gnomAD v4.1: 1 of 1,614,242 alleles (0.000062%); highest among the groups gnomAD compares: Non-Finnish European, 0.000085%; no homozygotes.

Submission:

Ambry Genetics
Classification: Uncertain significance for Cardiovascular phenotype. Last evaluated: 2026-09-08. Review status: criteria provided, single submitter. Criteria: Ambry Variant Classification Scheme 2023. Collection method: clinical testing. Allele origin: germline.
Comment: The p.P542S variant (also known as c.1624C>T), located in coding exon 12 of the ENG gene, results from a C to T substitution at nucleotide position 1624. The proline at codon 542 is replaced by serine, an amino acid with similar properties. This amino acid position is conserved. In addition, the in silico prediction for this alteration is inconclusive. Based on the available evidence, the clinical significance of this variant remains unclear.

NM_001114753.3(ENG):c.1624C>T (p.Pro542Ser)

Genes: ENG (endoglin; minus strand), LOC102723566 (uncharacterized LOC102723566; plus strand). Cytogenetic location: 9q34.11.
Variant type: single nucleotide variant.
Coding change: c.1624C>T on transcript NM_001114753.3 (MANE Select); coding-DNA position 1624, C replaced by T.
Protein change: p.Pro542Ser; replaces proline 542 with serine.
Molecular consequence: missense variant.
Genome position (GRCh38, 1-based): chr9:127,818,182, G>A on the plus strand (C>T on the coding strand, the complement: ENG is on the minus strand). VCF-style: chr9-127818182-G-A. GRCh37 (hg19) VCF-style: chr9-130580461-G-A.
Other names: c.1078C>T, p.Pro360Ser (NM_001278138.2); c.1624C>T, p.Pro542Ser (NM_000118.4); short protein forms P360S, P542S.
Identifiers: ClinVar variation 5035930 (VCV005035930.1).